The following is an entry in ClinVar:

NM_001563.4(IMPG1):c.1931C>T (p.Ser644Leu)

Gene: IMPG1 (interphotoreceptor matrix proteoglycan 1; minus strand). Cytogenetic location: 6q14.1.
Variant type: single nucleotide variant.
Coding change: c.1931C>T on transcript NM_001563.4 (MANE Select); coding-DNA position 1931, C replaced by T.
Protein change: p.Ser644Leu; replaces serine 644 with leucine.
Molecular consequence: missense variant.
Genome position (GRCh38, 1-based): chr6:75,947,427, G>A on the plus strand (C>T on the coding strand, the complement: IMPG1 is on the minus strand). VCF-style: chr6-75947427-G-A. GRCh37 (hg19) VCF-style: chr6-76657144-G-A.
Other names: c.1697C>T, p.Ser566Leu (NM_001282368.2); short protein forms S644L, S566L.
Identifiers: ClinVar variation 834862 (VCV000834862.9), dbSNP rs376165008, ClinGen allele CA141080930.

ClinVar aggregate classification (germline): Uncertain significance (1 of 4 stars; one submission).

Allele frequency attached by ClinVar (database versions not stated): gnomAD exomes below 0.00001; gnomAD 0.00001; TOPMed 0.00001; ESP Exome Variant Server 0.00008.
gnomAD v4.1: 6 of 1,613,632 alleles (0.00037%); highest among the groups gnomAD compares: South Asian, 0.0011%; no homozygotes.

Submission:

Labcorp Genetics (formerly Invitae), Labcorp
Classification: Uncertain significance. Last evaluated: 2022-02-05. Review status: criteria provided, single submitter. Criteria: Invitae Variant Classification Sherloc (09022015). Collection method: clinical testing. Allele origin: germline.
Comment: In summary, the available evidence is currently insufficient to determine the role of this variant in disease. Therefore, it has been classified as a Variant of Uncertain Significance. Algorithms developed to predict the effect of missense changes on protein structure and function output the following: SIFT: "Deleterious"; PolyPhen-2: "Benign"; Align-GVGD: "Class C0". The leucine amino acid residue is found in multiple mammalian species, which suggests that this missense change does not adversely affect protein function. ClinVar contains an entry for this variant (Variation ID: 834862). This variant has not been reported in the literature in individuals affected with IMPG1-related conditions. This variant is present in population databases (rs376165008, gnomAD 0.0009%). This sequence change replaces serine, which is neutral and polar, with leucine, which is neutral and non-polar, at codon 644 of the IMPG1 protein (p.Ser644Leu).